The following is an entry in ClinVar:

NM_003470.3(USP7):c.3278dup (p.Tyr1093Ter)

Gene: USP7 (ubiquitin specific peptidase 7; minus strand). Cytogenetic location: 16p13.2.
Variant type: Duplication.
Coding change: c.3278dup on transcript NM_003470.3 (MANE Select); coding-DNA position 3278, one base duplicated (A; older notation c.3278dupA).
Protein change: p.Tyr1093Ter; replaces tyrosine 1093 with a stop codon.
Molecular consequence: nonsense. On other transcripts: non-coding transcript variant (1).
Genome position (GRCh38, 1-based): chr16:8,894,029, T duplicated on the plus strand (A on the coding strand, the reverse complement: USP7 is on the minus strand). VCF-style (leftmost placement, unchanged base first): chr16-8894028-G-GT. GRCh37 (hg19) VCF-style: chr16-8987885-G-GT.
Other names: c.3230dup, p.Tyr1077Ter (NM_001286457.2); c.2981dup, p.Tyr994Ter (NM_001286458.2); c.3104dup, p.Tyr1035Ter (NM_001321858.2); short protein forms Y1035*, Y1077*, Y1093*, Y994*.
Identifiers: ClinVar variation 1801177 (VCV001801177.1), dbSNP rs2549211317, ClinGen allele CA2580092072.

ClinVar aggregate classification (germline): Uncertain significance (1 of 4 stars; one submission).

Submission:

GeneDx
Classification: Uncertain significance. Last evaluated: 2022-05-23. Review status: criteria provided, single submitter. Criteria: GeneDx Variant Classification Process June 2021. Collection method: clinical testing. Allele origin: germline. Affected: yes.
Comment: Not observed at significant frequency in large population cohorts (gnomAD); Nonsense variant predicted to result in protein truncation as the last ten amino acids are lost, although loss-of-function variants have not been reported downstream of this position in the protein; Has not been previously published as pathogenic or benign to our knowledge